The following is an entry in ClinVar:

NM_002519.3(NPAT):c.1480G>T (p.Val494Leu)

Gene: NPAT (nuclear protein, coactivator of histone transcription; minus strand). Cytogenetic location: 11q22.3.
Variant type: single nucleotide variant.
Coding change: c.1480G>T on transcript NM_002519.3 (MANE Select); coding-DNA position 1480, G replaced by T.
Protein change: p.Val494Leu; replaces valine 494 with leucine.
Molecular consequence: missense variant.
Genome position (GRCh38, 1-based): chr11:108,173,504, C>A on the plus strand (G>T on the coding strand, the complement: NPAT is on the minus strand). VCF-style: chr11-108173504-C-A. GRCh37 (hg19) VCF-style: chr11-108044231-C-A.
Other names: c.1480G>T, p.Val494Leu (NM_001321307.1); short protein forms V494L.
Identifiers: ClinVar variation 1773565 (VCV001773565.2), dbSNP rs776199761, ClinGen allele CA228384888.

ClinVar aggregate classification (germline): Uncertain significance (1 of 4 stars; one submission).

gnomAD v4.1: 1 of 1,614,138 alleles (0.000062%); highest among the groups gnomAD compares: Middle Eastern, 0.016%; no homozygotes.

Submission:

Ambry Genetics
Classification: Uncertain significance. Last evaluated: 2022-08-16. Review status: criteria provided, single submitter. Criteria: Ambry Variant Classification Scheme 2023. Collection method: clinical testing. Allele origin: germline.
Comment: The p.V494L variant (also known as c.1480G>T), located in coding exon 13 of the NPAT gene, results from a G to T substitution at nucleotide position 1480. The valine at codon 494 is replaced by leucine, an amino acid with highly similar properties. This amino acid position is conserved. In addition, this alteration is predicted to be tolerated by in silico analysis. Since supporting evidence is limited at this time, the clinical significance of this alteration remains unclear.